The following is an entry in ClinVar:

NM_000388.4(CASR):c.209G>A (p.Trp70Ter)

Gene: CASR (calcium sensing receptor; plus strand). Cytogenetic location: 3q21.1.
Variant type: single nucleotide variant.
Coding change: c.209G>A on transcript NM_000388.4 (MANE Select); coding-DNA position 209, G replaced by A.
Protein change: p.Trp70Ter; replaces tryptophan 70 with a stop codon.
Molecular consequence: nonsense.
Genome position (GRCh38, 1-based): chr3:122,257,104, G>A. VCF-style: chr3-122257104-G-A. GRCh37 (hg19) VCF-style: chr3-121975951-G-A.
Other names: c.209G>A, p.Trp70Ter (NM_001178065.2); short protein forms W70*.
Identifiers: ClinVar variation 1177515 (VCV001177515.10), dbSNP rs2107627458, ClinGen allele CA354362387.
Genomic context (GRCh38, chr3:122,257,104, plus strand): 5'-AAGCTTCCCATTTTCTTCCACTTCTTCTTTCTTCCAGGTATAATTTCCGTGGGTTTCGCT[G>A]GTTACAGGCTATGATATTTGCCATAGAGGAGATAAACAGCAGCCCAGCCCTTCTTCCCAA-3'

ClinVar aggregate classification (germline): Pathogenic. Review status: criteria provided, multiple submitters, no conflicts (2 of 4 stars). 2 submissions from 2 submitters: Pathogenic (2). Last evaluated 2023-10-26.

Conditions:
Autosomal dominant hypocalcemia 1 (HYPOC1). Also called: HYPOCALCEMIA, FAMILIAL. Identifiers: MedGen C3715128, MONDO:0011013, OMIM 601198.
Bartter syndrome with hypocalcemia. Also called: Hypocalcemia, autosomal dominant 1, with bartter syndrome. Identifiers: MedGen C4552089, MONDO:0016983.
Neonatal severe primary hyperparathyroidism. Identifiers: Orphanet 417, MedGen C1832615, MONDO:0009397, OMIM 239200.
Familial hypocalciuric hypercalcemia (FHH). Also called: Familial benign hypercalcemia. Identifiers: Orphanet 405, MedGen C1809471, MONDO:0018458.

Submissions (2):

Women's Health and Genetics/Laboratory Corporation of America, LabCorp
Classification: Pathogenic for Familial hypocalciuric hypercalcemia. Last evaluated: 2023-10-26. Review status: criteria provided, single submitter. Criteria: LabCorp Variant Classification Summary - May 2015. Collection method: clinical testing. Allele origin: germline.
Comment: Variant summary: CASR c.209G>A (p.Trp70X) results in a premature termination codon, predicted to cause absence of the protein due to nonsense mediated decay, which is a commonly known mechanism for disease. Variants downstream of this position have been classified as pathogenic by our laboratory (example, c.303C>A p.Cys101X). The variant was absent in 251300 control chromosomes. To our knowledge, no occurrence of c.209G>A in individuals affected with Familial Hypocalciuric Hypercalcemia or other CASR-related conditions and no experimental evidence demonstrating its impact on protein function have been reported. One submitter has cited clinical-significance assessments for this variant to ClinVar after 2014 and has classified the variant as pathogenic. Based on the evidence outlined above, the variant was classified as pathogenic.

Labcorp Genetics (formerly Invitae), Labcorp
Classification: Pathogenic for Familial hypocalciuric hypercalcemia; Autosomal dominant hypocalcemia 1. Last evaluated: 2022-05-29. Review status: criteria provided, single submitter. Criteria: Invitae Variant Classification Sherloc (09022015). Collection method: clinical testing. Allele origin: germline.
Comment: This sequence change creates a premature translational stop signal (p.Trp70*) in the CASR gene. It is expected to result in an absent or disrupted protein product. Loss-of-function variants in CASR are known to be pathogenic (PMID: 22422767). This variant is not present in population databases (gnomAD no frequency). This variant has not been reported in the literature in individuals affected with CASR-related conditions. ClinVar contains an entry for this variant (Variation ID: 1177515). Algorithms developed to predict the effect of sequence changes on RNA splicing suggest that this variant may disrupt the consensus splice site. For these reasons, this variant has been classified as Pathogenic.

Literature cited by the submitters: PubMed 22422767 (cited by Labcorp Genetics (formerly Invitae), Labcorp).